The following is an entry in ClinVar:

NM_015506.3(MMACHC):c.763C>G (p.Pro255Ala)

Gene: MMACHC (metabolism of cobalamin associated C; plus strand). Cytogenetic location: 1p34.1.
Variant type: single nucleotide variant.
Coding change: c.763C>G on transcript NM_015506.3 (MANE Select); coding-DNA position 763, C replaced by G.
Protein change: p.Pro255Ala; replaces proline 255 with alanine.
Molecular consequence: missense variant.
Genome position (GRCh38, 1-based): chr1:45,509,129, C>G. VCF-style: chr1-45509129-C-G. GRCh37 (hg19) VCF-style: chr1-45974801-C-G.
Other names: c.592C>G, p.Pro198Ala (NM_001330540.2); c.763C>G (NM_015506.2); short protein forms P255A, P198A.
Identifiers: ClinVar variation 1430793 (VCV001430793.8), dbSNP rs533256855, ClinGen allele CA827853.

ClinVar aggregate classification (germline): Uncertain significance. Review status: criteria provided, multiple submitters, no conflicts (2 of 4 stars). 3 submissions from 3 submitters: Uncertain significance (3). Last evaluated 2024-08-23.

Conditions:
Cobalamin C disease. Also called: Methylmalonic aciduria with homocystinuria cblC type; Methylmalonic aciduria and homocystinuria, Vitamin B12-responsive; Vitamin B12 metabolic defect with combined deficiency of methylmalonyl-CoA mutase and homocysteine:methyltetrahydrofolate methyltransferase; Cobalamin-C methylmalonic acidemia and homocystinuria; Methylmalonic acidemia and homocystinuria cblC type; methylmalonic aciduria and homocystinuria type cblC. Identifiers: Orphanet 26, Orphanet 79282, MedGen C1848561, MONDO:0010184, OMIM 277400.
Inborn genetic diseases. Identifiers: MedGen C0950123, MeSH D030342.

Allele frequency attached by ClinVar (database versions not stated): ExAC 0.00002.
gnomAD v4.1: 5 of 1,611,666 alleles (0.00031%); highest among the groups gnomAD compares: Admixed American, 0.0084%; no homozygotes.

Submissions (3):

Labcorp Genetics (formerly Invitae), Labcorp
Classification: Uncertain significance for Cobalamin C disease. Last evaluated: 2024-08-23. Review status: criteria provided, single submitter. Criteria: Invitae Variant Classification Sherloc (09022015). Collection method: clinical testing. Allele origin: germline.
Comment: This sequence change replaces proline, which is neutral and non-polar, with alanine, which is neutral and non-polar, at codon 255 of the MMACHC protein (p.Pro255Ala). This variant is present in population databases (rs533256855, gnomAD 0.009%). This variant has not been reported in the literature in individuals affected with MMACHC-related conditions. ClinVar contains an entry for this variant (Variation ID: 1430793). Invitae Evidence Modeling of protein sequence and biophysical properties (such as structural, functional, and spatial information, amino acid conservation, physicochemical variation, residue mobility, and thermodynamic stability) has been performed for this missense variant. However, the output from this modeling did not meet the statistical confidence thresholds required to predict the impact of this variant on MMACHC protein function. In summary, the available evidence is currently insufficient to determine the role of this variant in disease. Therefore, it has been classified as a Variant of Uncertain Significance.

Genome-Nilou Lab
Classification: Uncertain significance for Cobalamin C disease. Last evaluated: 2023-04-11. Review status: criteria provided, single submitter. Criteria: ACMG Guidelines, 2015. Collection method: clinical testing. Allele origin: germline. Affected: no.

Ambry Genetics
Classification: Uncertain significance for Inborn genetic diseases. Last evaluated: 2021-07-14. Review status: criteria provided, single submitter. Criteria: Ambry Variant Classification Scheme 2023. Collection method: clinical testing. Allele origin: germline.